The following is an entry in ClinVar:

ClinVar aggregate classification (germline): Likely benign. Review status: criteria provided, multiple submitters, no conflicts (2 of 4 stars). 2 submissions from 2 submitters: Likely benign (2). Last evaluated 2026-01-29.

Conditions:
VPS33B-related disorder. Also called: VPS33B-related condition.

Allele frequency attached by ClinVar (database versions not stated): gnomAD 0.00001.
gnomAD v4.1: 2 of 1,613,920 alleles (0.00012%); highest among the groups gnomAD compares: Admixed American, 0.0033%; no homozygotes.

Submissions (2):

PreventionGenetics, part of Exact Sciences
Classification: Likely benign for VPS33B-related condition. Last evaluated: 2026-01-29. Review status: criteria provided, single submitter. Criteria: ACMG Guidelines, 2015. Collection method: clinical testing. Allele origin: germline.
Comment: This variant is classified as likely benign based on ACMG/AMP sequence variant interpretation guidelines (Richards et al. 2015 PMID: 25741868, with internal and published modifications).

Labcorp Genetics (formerly Invitae), Labcorp
Classification: Likely benign. Last evaluated: 2019-12-31. Review status: criteria provided, single submitter. Criteria: Invitae Variant Classification Sherloc (09022015). Collection method: clinical testing. Allele origin: germline.

NM_018668.5(VPS33B):c.1407A>C (p.Gly469=)

Gene: VPS33B (VPS33B late endosome and lysosome associated; minus strand). Cytogenetic location: 15q26.1.
Variant type: single nucleotide variant.
Coding change: c.1407A>C on transcript NM_018668.5 (MANE Select); coding-DNA position 1407, A replaced by C.
Protein change: p.Gly469=; no amino-acid change (glycine 469 retained).
Molecular consequence: synonymous variant.
Genome position (GRCh38, 1-based): chr15:91,001,461, T>G on the plus strand (A>C on the coding strand, the complement: VPS33B is on the minus strand). VCF-style: chr15-91001461-T-G. GRCh37 (hg19) VCF-style: chr15-91544691-T-G.
Other names: c.1326A>C, p.Gly442= (NM_001289148.1); c.1134A>C, p.Gly378= (NM_001289149.1).
Identifiers: ClinVar variation 732700 (VCV000732700.5), dbSNP rs1596350595, ClinGen allele CA492203830.
Genomic context (GRCh38, chr15:91,001,461, plus strand): 5'-TTTGCTGATGGCACGAAAATTGCTCCTCTTGGCCAGAGAACTGAAGGCATCAGTAATCTT[T>G]CCTGGGGAAGAAATCTGTGTCAGGTTTCACCTAAGGTCTATGGATTCATGACACTGCCAC-3'
Protein context (NP_061138.3, residues 459-479): VSKLVTDKAA[Gly469=]KITDAFSSLA